The following is an entry in ClinVar:

NM_001148.6(ANK2):c.6533T>A (p.Phe2178Tyr)

Gene: ANK2 (ankyrin 2; plus strand). Cytogenetic location: 4q26.
Variant type: single nucleotide variant.
Coding change: c.6533T>A on transcript NM_001148.6 (MANE Select); coding-DNA position 6533, T replaced by A.
Protein change: p.Phe2178Tyr; replaces phenylalanine 2178 with tyrosine.
Molecular consequence: missense variant. On other transcripts: intron variant (68).
Genome position (GRCh38, 1-based): chr4:113,355,151, T>A. VCF-style: chr4-113355151-T-A. GRCh37 (hg19) VCF-style: chr4-114276307-T-A.
Other names: c.4264+4902T>A (NM_001354245.2, NM_001354262.2, NM_001354275.2); c.4228+4902T>A (NM_001354268.2); c.4126+4902T>A (NM_001354273.2); c.4426+4902T>A (NM_020977.5); c.4483+4902T>A (NM_001386152.1); c.4504+4902T>A (NM_001354237.2); c.4405+4902T>A (NM_001354230.2); c.4468+4902T>A (NM_001354231.2, NM_001354242.2); and 35 more; short protein forms F2178Y, F2100Y, F2217Y, F2225Y, F978Y.
Identifiers: ClinVar variation 191409 (VCV000191409.1), dbSNP rs200115726, ClinGen allele CA236558.

ClinVar aggregate classification (germline): Uncertain significance (1 of 4 stars; one submission).

Submission:

Biesecker Lab/Clinical Genomics Section, National Institutes of Health
Classification: Uncertain significance. Last evaluated: 2013-06-24. Review status: criteria provided, single submitter. Criteria: Ng et al. (Circ Cardiovasc Genet. 2013). Collection method: research. Allele origin: unknown. Observed: 1 variant allele. Study: ClinSeq.
Comment: The study set was not selected for affection status in relation to any cancer. Pathogenicity categories were based on literature curation. See Pubmed ID:23861362 for details.

Medical sequencing